The following is an entry in ClinVar:

NM_001384140.1(PCDH15):c.1255A>C (p.Asn419His)

Gene: PCDH15 (protocadherin related 15; minus strand). Cytogenetic location: 10q21.1.
Variant type: single nucleotide variant.
Coding change: c.1255A>C on transcript NM_001384140.1 (MANE Select); coding-DNA position 1255, A replaced by C.
Protein change: p.Asn419His; replaces asparagine 419 with histidine.
Molecular consequence: missense variant.
Genome position (GRCh38, 1-based): chr10:54,195,733, T>G on the plus strand (A>C on the coding strand, the complement: PCDH15 is on the minus strand). VCF-style: chr10-54195733-T-G. GRCh37 (hg19) VCF-style: chr10-55955493-T-G.
Other names: c.1270A>C, p.Asn424His (NM_001142763.2, NM_001142769.4, NM_001142771.2); c.1255A>C, p.Asn419His (NM_001142764.2, NM_001142765.2, NM_001142766.2 and 7 more transcripts); c.1144A>C, p.Asn382His (NM_001142767.2); c.1189A>C, p.Asn397His (NM_001142768.2, NM_001142773.2, NM_001354404.2); short protein forms N382H, N397H, N424H, N419H.
Identifiers: ClinVar variation 2149969 (VCV002149969.3), dbSNP rs1210776570, ClinGen allele CA376518768.

ClinVar aggregate classification (germline): Uncertain significance. Review status: criteria provided, multiple submitters, no conflicts (2 of 4 stars). 3 submissions from 3 submitters: Uncertain significance (3). Last evaluated 2025-10-15.

Conditions:
Inborn genetic diseases. Identifiers: MedGen C0950123, MeSH D030342.

Allele frequency attached by ClinVar (database versions not stated): gnomAD 0.00001; gnomAD exomes 0.00001; TOPMed 0.00001.
gnomAD v4.1: 16 of 1,613,954 alleles (0.00099%); highest among the groups gnomAD compares: Middle Eastern, 0.016%; no homozygotes.

Submissions (3):

Ambry Genetics
Classification: Uncertain significance for Inborn genetic diseases. Last evaluated: 2025-10-15. Review status: criteria provided, single submitter. Criteria: Ambry Variant Classification Scheme 2023. Collection method: clinical testing. Allele origin: germline.

GeneDx
Classification: Uncertain significance. Last evaluated: 2024-03-27. Review status: criteria provided, single submitter. Criteria: GeneDx Variant Classification Process June 2021. Collection method: clinical testing. Allele origin: germline. Affected: yes.
Comment: Not observed at significant frequency in large population cohorts (gnomAD); In silico analysis supports that this missense variant has a deleterious effect on protein structure/function; Has not been previously published as pathogenic or benign to our knowledge

Labcorp Genetics (formerly Invitae), Labcorp
Classification: Uncertain significance. Last evaluated: 2022-04-10. Review status: criteria provided, single submitter. Criteria: Invitae Variant Classification Sherloc (09022015). Collection method: clinical testing. Allele origin: germline.
Comment: This sequence change replaces asparagine, which is neutral and polar, with histidine, which is basic and polar, at codon 419 of the PCDH15 protein (p.Asn419His). This variant is not present in population databases (gnomAD no frequency). This variant has not been reported in the literature in individuals affected with PCDH15-related conditions. Algorithms developed to predict the effect of missense changes on protein structure and function are either unavailable or do not agree on the potential impact of this missense change (SIFT: "Deleterious"; PolyPhen-2: "Probably Damaging"; Align-GVGD: "Class C0"). In summary, the available evidence is currently insufficient to determine the role of this variant in disease. Therefore, it has been classified as a Variant of Uncertain Significance.